The following is an entry in ClinVar:

ClinVar aggregate classification (germline): Conflicting classifications of pathogenicity. Review status: criteria provided, conflicting classifications (1 of 4 stars). 3 submissions from 3 submitters: Uncertain significance (1); Likely benign (2). Last evaluated 2025-06-09.

Conditions:
Cardiovascular phenotype. Identifiers: MedGen CN230736.
Arrhythmogenic right ventricular dysplasia 11. Also called: ARRHYTHMOGENIC RIGHT VENTRICULAR DYSPLASIA, FAMILIAL, 11; Arrhythmogenic Right Ventricular Dysplasia/Cardiomyopathy11; Arrhythmogenic right ventricular dysplasia 11 with mild palmoplantar keratoderma and woolly hair. Identifiers: MedGen C1864850, MONDO:0012506, OMIM 610476.

Allele frequency attached by ClinVar (database versions not stated): ExAC 0.00001; gnomAD 0.00001; TOPMed 0.00001.
gnomAD v4.1: 5 of 1,613,832 alleles (0.00031%); highest among the groups gnomAD compares: Non-Finnish European, 0.00042%; no homozygotes.

Submissions (3):

Labcorp Genetics (formerly Invitae), Labcorp
Classification: Uncertain significance for Arrhythmogenic right ventricular dysplasia 11. Last evaluated: 2025-06-09. Review status: criteria provided, single submitter. Criteria: Invitae Variant Classification Sherloc (09022015). Collection method: clinical testing. Allele origin: germline.
Comment: This sequence change replaces proline, which is neutral and non-polar, with alanine, which is neutral and non-polar, at codon 642 of the DSC2 protein (p.Pro642Ala). This variant is present in population databases (rs368353349, gnomAD 0.0009%). This variant has not been reported in the literature in individuals affected with DSC2-related conditions. ClinVar contains an entry for this variant (Variation ID: 1449568). Invitae Evidence Modeling of protein sequence and biophysical properties (such as structural, functional, and spatial information, amino acid conservation, physicochemical variation, residue mobility, and thermodynamic stability) indicates that this missense variant is not expected to disrupt DSC2 protein function with a negative predictive value of 80%. In summary, the available evidence is currently insufficient to determine the role of this variant in disease. Therefore, it has been classified as a Variant of Uncertain Significance.

Blueprint Genetics
Classification: Likely benign. Last evaluated: 2023-12-27. Review status: criteria provided, single submitter. Criteria: ACMG Guidelines, 2015. Collection method: clinical testing. Allele origin: germline.

Ambry Genetics
Classification: Likely benign for Cardiovascular phenotype. Last evaluated: 2023-11-23. Review status: criteria provided, single submitter. Criteria: Ambry Variant Classification Scheme 2023. Collection method: clinical testing. Allele origin: germline.

NM_024422.6(DSC2):c.1924C>G (p.Pro642Ala)

Gene: DSC2 (desmocollin 2; minus strand). Cytogenetic location: 18q12.1.
Variant type: single nucleotide variant.
Coding change: c.1924C>G on transcript NM_024422.6 (MANE Select); coding-DNA position 1924, C replaced by G.
Protein change: p.Pro642Ala; replaces proline 642 with alanine.
Molecular consequence: missense variant.
Genome position (GRCh38, 1-based): chr18:31,071,806, G>C on the plus strand (C>G on the coding strand, the complement: DSC2 is on the minus strand). VCF-style: chr18-31071806-G-C. GRCh37 (hg19) VCF-style: chr18-28651772-G-C.
Other names: c.1924C>G (NM_024422.3); c.1924C>G, p.Pro642Ala (NM_004949.5); short protein forms P642A.
Identifiers: ClinVar variation 1449568 (VCV001449568.8), dbSNP rs368353349, ClinGen allele CA033934.